The following is an entry in ClinVar:

NM_000257.4(MYH7):c.1345A>T (p.Thr449Ser)

Gene: MYH7 (myosin heavy chain 7; minus strand). Cytogenetic location: 14q11.2.
Variant type: single nucleotide variant.
Coding change: c.1345A>T on transcript NM_000257.4 (MANE Select); coding-DNA position 1345, A replaced by T.
Protein change: p.Thr449Ser; replaces threonine 449 with serine.
Molecular consequence: missense variant.
Genome position (GRCh38, 1-based): chr14:23,429,017, T>A on the plus strand (A>T on the coding strand, the complement: MYH7 is on the minus strand). VCF-style: chr14-23429017-T-A. GRCh37 (hg19) VCF-style: chr14-23898226-T-A.
Other names: c.1345A>T, p.Thr449Ser (NM_001407004.1); short protein forms T449S.
Identifiers: ClinVar variation 4710126 (VCV004710126.1).
Genomic context (GRCh38, chr14:23,429,017, plus strand): 5'-CGAAGATCTCGAAGCCAGCGATGTCCAGGACTCCTATGAAGTACTGGCGTGGCTGCTTGG[T>A]CTCCAGGGTGGCATTGATGCGCGTCACCATCCAGTTGAACATCCTCTCATACACTGCCTT-3'
Protein context (NP_000248.2, residues 439-459): MVTRINATLE[Thr449Ser]KQPRQYFIGV

ClinVar aggregate classification (germline): Uncertain significance (1 of 4 stars; one submission).

Conditions:
Hypertrophic cardiomyopathy. Also called: HYPERTROPHIC MYOCARDIOPATHY. Identifiers: Orphanet 217569, MedGen C0007194, MeSH D002312, MONDO:0005045, HP:0001639.

Submission:

Labcorp Genetics (formerly Invitae), Labcorp
Classification: Uncertain significance for Hypertrophic cardiomyopathy. Last evaluated: 2026-01-06. Review status: criteria provided, single submitter. Criteria: Invitae Variant Classification Sherloc (09022015). Collection method: clinical testing. Allele origin: germline.
Comment: This sequence change replaces threonine, which is neutral and polar, with serine, which is neutral and polar, at codon 449 of the MYH7 protein (p.Thr449Ser). This variant is not present in population databases (gnomAD no frequency). This missense change has been observed in individual(s) with hypertrophic cardiomyopathy (PMID: 27532257, 37652022; internal data). Invitae Evidence Modeling of protein sequence and biophysical properties (such as structural, functional, and spatial information, amino acid conservation, physicochemical variation, residue mobility, and thermodynamic stability) indicates that this missense variant is expected to disrupt MYH7 protein function with a positive predictive value of 95%. In summary, the available evidence is currently insufficient to determine the role of this variant in disease. Therefore, it has been classified as a Variant of Uncertain Significance.

Literature cited by the submitters: PubMed 27532257; PubMed 37652022.